The following is an entry in ClinVar:

NM_004523.4(KIF11):c.1391C>T (p.Thr464Ile)

Gene: KIF11 (kinesin family member 11; plus strand). Cytogenetic location: 10q23.33.
Variant type: single nucleotide variant.
Coding change: c.1391C>T on transcript NM_004523.4 (MANE Select); coding-DNA position 1391, C replaced by T.
Protein change: p.Thr464Ile; replaces threonine 464 with isoleucine.
Molecular consequence: missense variant.
Genome position (GRCh38, 1-based): chr10:92,630,261, C>T. VCF-style: chr10-92630261-C-T. GRCh37 (hg19) VCF-style: chr10-94390018-C-T.
Other names: short protein forms T464I.
Identifiers: ClinVar variation 1489234 (VCV001489234.8), dbSNP rs763983878, ClinGen allele CA5604189.

ClinVar aggregate classification (germline): Uncertain significance (1 of 4 stars; one submission).

Allele frequency attached by ClinVar (database versions not stated): gnomAD exomes below 0.00001 and 0.00002; ExAC 0.00001.
gnomAD v4.1: 4 of 1,609,900 alleles (0.00025%); highest among the groups gnomAD compares: South Asian, 0.0044%; no homozygotes.

Submission:

Labcorp Genetics (formerly Invitae), Labcorp
Classification: Uncertain significance. Last evaluated: 2020-11-27. Review status: criteria provided, single submitter. Criteria: Invitae Variant Classification Sherloc (09022015). Collection method: clinical testing. Allele origin: germline.
Comment: This variant is present in population databases (rs763983878, ExAC 0.006%). In summary, the available evidence is currently insufficient to determine the role of this variant in disease. Therefore, it has been classified as a Variant of Uncertain Significance. Algorithms developed to predict the effect of missense changes on protein structure and function (SIFT, PolyPhen-2, Align-GVGD) all suggest that this variant is likely to be disruptive, but these predictions have not been confirmed by published functional studies and their clinical significance is uncertain. This variant has not been reported in the literature in individuals with KIF11-related conditions. This sequence change replaces threonine with isoleucine at codon 464 of the KIF11 protein (p.Thr464Ile). The threonine residue is highly conserved and there is a moderate physicochemical difference between threonine and isoleucine.